The following is an entry in ClinVar:

NM_004360.5(CDH1):c.1588G>C (p.Ala530Pro)

Gene: CDH1 (cadherin 1; plus strand). Cytogenetic location: 16q22.1.
Variant type: single nucleotide variant.
Coding change: c.1588G>C on transcript NM_004360.5 (MANE Select); coding-DNA position 1588, G replaced by C.
Protein change: p.Ala530Pro; replaces alanine 530 with proline.
Molecular consequence: missense variant. On other transcripts: intron variant (1).
Genome position (GRCh38, 1-based): chr16:68,819,302, G>C. VCF-style: chr16-68819302-G-C. GRCh37 (hg19) VCF-style: chr16-68853205-G-C.
Other names: c.1588G>C (LRG_301t1); c.1405G>C, p.Ala469Pro (NM_001317184.2); c.40G>C, p.Ala14Pro (NM_001317185.2); c.-254-2699G>C (NM_001317186.2); short protein forms A530P, A14P, A469P.
Identifiers: ClinVar variation 532449 (VCV000532449.9), dbSNP rs1555516534, ClinGen allele CA396464906.

ClinVar aggregate classification (germline): Uncertain significance (1 of 4 stars; one submission).

Conditions:
Hereditary diffuse gastric adenocarcinoma (HDGC). Also called: DIFFUSE GASTRIC AND LOBULAR BREAST CANCER SYNDROME. Identifiers: Orphanet 26106, MedGen C1708349, MONDO:0007648, OMIM 137215.

Submission:

Labcorp Genetics (formerly Invitae), Labcorp
Classification: Uncertain significance for Hereditary diffuse gastric adenocarcinoma. Last evaluated: 2017-12-18. Review status: criteria provided, single submitter. Criteria: Invitae Variant Classification Sherloc (09022015). Collection method: clinical testing. Allele origin: germline.
Comment: In summary, the available evidence is currently insufficient to determine the role of this variant in disease. Therefore, it has been classified as a Variant of Uncertain Significance. Algorithms developed to predict the effect of missense changes on protein structure and function do not agree on the potential impact of this missense change (SIFT: "Deleterious"; PolyPhen-2: "Probably Damaging"; Align-GVGD: "Class C0"). This variant has not been reported in the literature in individuals with CDH1-related disease. This variant is not present in population databases (ExAC no frequency). This sequence change replaces alanine with proline at codon 530 of the CDH1 protein (p.Ala530Pro). The alanine residue is highly conserved and there is a small physicochemical difference between alanine and proline.